The following is an entry in ClinVar:

NM_080860.4(RSPH1):c.358C>T (p.His120Tyr)

Gene: RSPH1 (radial spoke head component 1; minus strand). Cytogenetic location: 21q22.3.
Variant type: single nucleotide variant.
Coding change: c.358C>T on transcript NM_080860.4 (MANE Select); coding-DNA position 358, C replaced by T.
Protein change: p.His120Tyr; replaces histidine 120 with tyrosine.
Molecular consequence: missense variant.
Genome position (GRCh38, 1-based): chr21:42,486,378, G>A on the plus strand (C>T on the coding strand, the complement: RSPH1 is on the minus strand). VCF-style: chr21-42486378-G-A. GRCh37 (hg19) VCF-style: chr21-43906488-G-A.
Other names: c.244C>T, p.His82Tyr (NM_001286506.2); short protein forms H120Y, H82Y.
Identifiers: ClinVar variation 1717464 (VCV001717464.3), dbSNP rs369525575, ClinGen allele CA10043973.
Genomic context (GRCh38, chr21:42,486,378, plus strand): 5'-CATGTTCTCATTACATAAGCAAATCCCGTTAAGACCCAAGATAGAAACCGAACCTTTGAT[G>A]AGCAAACCACTCTCCAGTGTAGGTGTCATTATTGATGTAGTAGTATACGCCATGGCCGTG-3'
Protein context (NP_543136.1, residues 110-130): NDTYTGEWFA[His120Tyr]QRHGQGTYLY

ClinVar aggregate classification (germline): Uncertain significance (1 of 4 stars; one submission).

Conditions:
Primary ciliary dyskinesia. Also called: Ciliary dyskinesia. Identifiers: Orphanet 244, MedGen C0008780, MONDO:0016575, HP:0012265.

Allele frequency attached by ClinVar (database versions not stated): gnomAD exomes below 0.00001; TOPMed below 0.00001; ExAC 0.00001; gnomAD 0.00001; ESP Exome Variant Server 0.00008.
gnomAD v4.1: 5 of 1,612,348 alleles (0.00031%); highest among the groups gnomAD compares: African/African-American, 0.0053%; no homozygotes.

Submission:

Labcorp Genetics (formerly Invitae), Labcorp
Classification: Uncertain significance for Primary ciliary dyskinesia. Last evaluated: 2022-08-21. Review status: criteria provided, single submitter. Criteria: Invitae Variant Classification Sherloc (09022015). Collection method: clinical testing. Allele origin: germline.
Comment: This sequence change replaces histidine, which is basic and polar, with tyrosine, which is neutral and polar, at codon 120 of the RSPH1 protein (p.His120Tyr). This variant is present in population databases (rs369525575, gnomAD 0.007%). This variant has not been reported in the literature in individuals affected with RSPH1-related conditions. Algorithms developed to predict the effect of missense changes on protein structure and function are either unavailable or do not agree on the potential impact of this missense change (SIFT: "Tolerated"; PolyPhen-2: "Probably Damaging"; Align-GVGD: "Class C0"). In summary, the available evidence is currently insufficient to determine the role of this variant in disease. Therefore, it has been classified as a Variant of Uncertain Significance.